The following is an entry in ClinVar:

ClinVar aggregate classification (germline): Uncertain significance (1 of 4 stars; one submission).

Conditions:
Dilated cardiomyopathy 1G (CMD1G). Identifiers: Orphanet 154, MedGen C1858763, MONDO:0011400, OMIM 604145.
Autosomal recessive limb-girdle muscular dystrophy type 2J (LGMDR10). Also called: Limb-girdle muscular dystrophy, type 2J; MUSCULAR DYSTROPHY, LIMB-GIRDLE, AUTOSOMAL RECESSIVE 10. Identifiers: Orphanet 140922, MedGen C1837342, MONDO:0012127, OMIM 608807.

Submission:

Labcorp Genetics (formerly Invitae), Labcorp
Classification: Uncertain significance for Dilated cardiomyopathy 1G; Autosomal recessive limb-girdle muscular dystrophy type 2J. Last evaluated: 2025-02-26. Review status: criteria provided, single submitter. Criteria: Invitae Variant Classification Sherloc (09022015). Collection method: clinical testing. Allele origin: germline.
Comment: This sequence change inserts a large fragment of DNA, likely a transposable element, in exon 117 of the TTN gene (c.31380_31381ins?), causing a frameshift at codon 10461 (p.Lys10461fs). The exact size and sequence of the insertion cannot be determined by the current assay. However, the insertion is expected to result in an absent or disrupted protein product. This variant is not present in population databases (gnomAD no frequency). This variant has not been reported in the literature in individuals affected with TTN-related conditions. This variant is located in the I band of TTN (PMID: 25589632). Truncating variants in this region have been reported in individuals affected with autosomal recessive centronuclear myopathy (PMID: 23975875, internal data). Truncating variants in this region have also been identified in individuals affected with autosomal dominant dilated cardiomyopathy and/or cardio-related conditions (PMID: 27869827, 32964742, internal data). Retrotransposon insertions including LINE1 (L1), Alu, and SVA (SINE-VNTR-Alu) have been reported to disrupt protein function (PMID: 19763152, 20307669, 22406018). However the effect of this particular variant is unknown. In summary, the available evidence is currently insufficient to determine the role of this variant in disease. Therefore, it has been classified as a Variant of Uncertain Significance.

Literature cited by the submitters: PubMed 25589632; PubMed 23975875; PubMed 27869827; PubMed 32964742; PubMed 19763152; PubMed 20307669; PubMed 22406018.

NM_001267550.2(TTN):c.31380_31381insGGTGAGGGGCGCCTCTGCCCGGCCGCCCCTACTGGGAAGTGAGGAGCCCCTCTGCCCGGCCAGCCGCCCNNNNNNNNNNAAAAAAAAAAAAAAAAAAAAAAAGAAGATTGTTCCACAA (p.Lys10461delinsGlyGluGlyArgLeuCysProAlaAlaProThrGlyLysTer)

Gene: TTN (titin; minus strand). Cytogenetic location: 2q31.2.
Variant type: Insertion.
Coding change: c.31380_31381insGGTGAGGGGCGCCTCTGCCCGGCCGCCCCTACTGGGAAGTGAGGAGCCCCTCTGCCCGGCCAGCCGCCCNNNNNNNNNNAAAAAAAAAAAAAAAAAAAAAAAGAAGATTGTTCCACAA on transcript NM_001267550.2 (MANE Select); coding-DNA positions 31380 to 31381, GGTGAGGGGCGCCTCTGCCCGGCCGCCCCTACTGGGAAGTGAGGAGCCCCTCTGCCCGGCCAGCCGCCCNNNNNNNNNNAAAAAAAAAAAAAAAAAAAAAAAGAAGATTGTTCCACAA inserted.
Protein change: p.Lys10461delinsGlyGluGlyArgLeuCysProAlaAlaProThrGlyLysTer.
Molecular consequence: nonsense. On other transcripts: intron variant (3).
Genome position: GRCh38: chr2:178,694,663-178,694,664. GRCh37 (hg19): chr2:179,559,390-179,559,391.
Other names: c.13282+43437_13282+43438insAAAGAAGATTGTTCCACAAGGTGAGGGGCGCCTCTGCCCGGCCGCCCCTACTGGGAAGTGAGGAGCCCCTCTGCCCGGCCAGCCGCCCNNNNNNNNNNAAAAAAAAAAAAAAAAAAAA (NM_003319.4); c.13858+43437_13858+43438insAAAGAAGATTGTTCCACAAGGTGAGGGGCGCCTCTGCCCGGCCGCCCCTACTGGGAAGTGAGGAGCCCCTCTGCCCGGCCAGCCGCCCNNNNNNNNNNAAAAAAAAAAAAAAAAAAAA (NM_133437.4); c.13657+43437_13657+43438insAAAGAAGATTGTTCCACAAGGTGAGGGGCGCCTCTGCCCGGCCGCCCCTACTGGGAAGTGAGGAGCCCCTCTGCCCGGCCAGCCGCCCNNNNNNNNNNAAAAAAAAAAAAAAAAAAAA (NM_133432.3); c.30429_30430insGGTGAGGGGCGCCTCTGCCCGGCCGCCCCTACTGGGAAGTGAGGAGCCCCTCTGCCCGGCCAGCCGCCCNNNNNNNNNNAAAAAAAAAAAAAAAAAAAAAAAGAAGATTGTTCCACAA, p.Lys10144delinsGlyGluGlyArgLeuCysProAlaAlaProThrGlyLysTer (NM_001256850.1); c.27648_27649insGGTGAGGGGCGCCTCTGCCCGGCCGCCCCTACTGGGAAGTGAGGAGCCCCTCTGCCCGGCCAGCCGCCCNNNNNNNNNNAAAAAAAAAAAAAAAAAAAAAAAGAAGATTGTTCCACAA, p.Lys9217delinsGlyGluGlyArgLeuCysProAlaAlaProThrGlyLysTer (NM_133378.4).
Identifiers: ClinVar variation 3757918 (VCV003757918.2).